The following is an entry in ClinVar:

NM_198282.4(STING1):c.841C>T (p.Arg281Trp)

Gene: STING1 (stimulator of interferon response cGAMP interactor 1; minus strand). Cytogenetic location: 5q31.2.
Variant type: single nucleotide variant.
Coding change: c.841C>T on transcript NM_198282.4 (MANE Select); coding-DNA position 841, C replaced by T.
Protein change: p.Arg281Trp; replaces arginine 281 with tryptophan.
Molecular consequence: missense variant. On other transcripts: intron variant (1).
Genome position (GRCh38, 1-based): chr5:139,477,434, G>A on the plus strand (C>T on the coding strand, the complement: STING1 is on the minus strand). VCF-style: chr5-139477434-G-A. GRCh37 (hg19) VCF-style: chr5-138857019-G-A.
Other names: c.484C>T, p.Arg162Trp (NM_001367258.1); c.759+836C>T (NM_001301738.2); short protein forms R162W, R281W.
Identifiers: ClinVar variation 839824 (VCV000839824.19), dbSNP rs750077345, ClinGen allele CA3435299.

ClinVar aggregate classification (germline): Conflicting classifications of pathogenicity. Review status: criteria provided, conflicting classifications (1 of 4 stars). 6 submissions from 6 submitters: Pathogenic (3); Likely pathogenic (1); Uncertain significance (2). Last evaluated 2025-06-02.

Conditions:
STING-associated vasculopathy with onset in infancy. Also called: Sting-associated vasculopathy, infantile-onset. Identifiers: Orphanet 425120, MedGen C4014722, MONDO:0014405, OMIM 615934.
TMEM173-related disorders.
Autoinflammatory syndrome. Identifiers: Orphanet 93665, MedGen C3890737, MONDO:0019751.

Allele frequency attached by ClinVar (database versions not stated): gnomAD exomes below 0.00001 and 0.00001; ExAC 0.00001; gnomAD 0.00001.

Submissions (6):

Institute of Human Genetics, University of Leipzig Medical Center
Classification: Likely pathogenic for STING-associated vasculopathy with onset in infancy. Last evaluated: 2025-06-02. Review status: criteria provided, single submitter. Criteria: ACMG Guidelines, 2015. Collection method: clinical testing. Allele origin: inherited. Inheritance: Autosomal recessive inheritance. Affected: yes.
Comment: Criteria applied: PM2,PM3,PM5,PS3_SUP,PP1

Labcorp Genetics (formerly Invitae), Labcorp
Classification: Uncertain significance for STING-associated vasculopathy with onset in infancy. Last evaluated: 2025-05-23. Review status: criteria provided, single submitter. Criteria: Invitae Variant Classification Sherloc (09022015). Collection method: clinical testing. Allele origin: germline.
Comment: This sequence change replaces arginine, which is basic and polar, with tryptophan, which is neutral and slightly polar, at codon 281 of the TMEM173 protein (p.Arg281Trp). This variant is present in population databases (rs750077345, gnomAD 0.004%). This missense change has been observed in individual(s) with clinical features of infantile-onset STING-associated vasculopathy (PMID: 30919572, 32673614, 33488593, 36275728). ClinVar contains an entry for this variant (Variation ID: 839824). Invitae Evidence Modeling of protein sequence and biophysical properties (such as structural, functional, and spatial information, amino acid conservation, physicochemical variation, residue mobility, and thermodynamic stability) indicates that this missense variant is expected to disrupt TMEM173 protein function with a positive predictive value of 80%. Experimental studies have shown that this missense change affects TMEM173 function (PMID: 32673614). This variant disrupts the p.Arg281 amino acid residue in TMEM173. Other variant(s) that disrupt this residue have been determined to be pathogenic (PMID: 28087229). This suggests that this residue is clinically significant, and that variants that disrupt this residue are likely to be disease-causing. In summary, the available evidence is currently insufficient to determine the role of this variant in disease. Therefore, it has been classified as a Variant of Uncertain Significance.

GeneDx
Classification: Pathogenic. Last evaluated: 2022-12-15. Review status: criteria provided, single submitter. Criteria: GeneDx Variant Classification Process June 2021. Collection method: clinical testing. Allele origin: germline. Affected: yes.
Comment: In silico analysis supports that this missense variant has a deleterious effect on protein structure/function; This variant is associated with the following publications: (PMID: 33488593, 32673614, 36275728, 30919572)

Department of Human Genetics, Hannover Medical School
Classification: Pathogenic for STING-associated vasculopathy with onset in infancy. Last evaluated: 2022-08-31. Review status: criteria provided, single submitter. Criteria: ACMG Guidelines, 2015. Collection method: clinical testing. Allele origin: germline. Inheritance: Autosomal recessive inheritance. Affected: yes.

Blueprint Genetics
Classification: Pathogenic for TMEM173-related disorders. Last evaluated: 2021-11-15. Review status: criteria provided, single submitter. Criteria: ACMG Guidelines, 2015. Collection method: clinical testing. Allele origin: germline. Affected: yes. Observed: 1 variant allele.

Genome Diagnostics Laboratory, The Hospital for Sick Children
Classification: Uncertain significance for Autoinflammatory syndrome. Last evaluated: 2017-01-31. Review status: criteria provided, single submitter. Criteria: ACMG Guidelines, 2015. Collection method: clinical testing. Allele origin: germline. Affected: yes.

Literature cited by the submitters: PubMed 30919572 (cited by Labcorp Genetics (formerly Invitae), Labcorp); PubMed 32673614 (cited by Labcorp Genetics (formerly Invitae), Labcorp); PubMed 33488593 (cited by Labcorp Genetics (formerly Invitae), Labcorp); PubMed 36275728 (cited by Labcorp Genetics (formerly Invitae), Labcorp); PubMed 28087229 (cited by Labcorp Genetics (formerly Invitae), Labcorp).